The following is an entry in ClinVar:

NM_000238.4(KCNH2):c.3302C>T (p.Pro1101Leu)

Gene: KCNH2 (potassium voltage-gated channel subfamily H member 2; minus strand). Cytogenetic location: 7q36.1.
Variant type: single nucleotide variant.
Coding change: c.3302C>T on transcript NM_000238.4 (MANE Select); coding-DNA position 3302, C replaced by T.
Protein change: p.Pro1101Leu; replaces proline 1101 with leucine.
Molecular consequence: missense variant.
Genome position (GRCh38, 1-based): chr7:150,946,905, G>A on the plus strand (C>T on the coding strand, the complement: KCNH2 is on the minus strand). VCF-style: chr7-150946905-G-A. GRCh37 (hg19) VCF-style: chr7-150643993-G-A.
Other names: c.3302C>T (LRG_288t1); c.2282C>T, p.Pro761Leu (NM_172057.3); short protein forms P1101L, P761L.
Identifiers: ClinVar variation 67487 (VCV000067487.8), dbSNP rs199473041, ClinGen allele CA008172.

ClinVar aggregate classification (germline): Uncertain significance. Review status: criteria provided, multiple submitters, no conflicts (2 of 4 stars). 4 submissions from 4 submitters: Uncertain significance (3). 1 of the submissions does not count toward it. Last evaluated 2024-05-09.

Conditions:
Cardiovascular phenotype. Identifiers: MedGen CN230736.
Familial long QT syndrome (RWS). Also called: Congenital long QT syndrome; Romano-Ward syndrome; VENTRICULAR FIBRILLATION WITH PROLONGED QT INTERVAL. Identifiers: Orphanet 768, MedGen C1141890, MONDO:0019171.
Short QT syndrome type 1. Identifiers: Orphanet 51083, MedGen C1865020, MONDO:0012312, OMIM 609620.
Long QT syndrome 2 (LQT2). Identifiers: Orphanet 101016, Orphanet 768, MedGen C3150943, MONDO:0013367, OMIM 613688.
Long QT syndrome (LQTS). Identifiers: MedGen C0023976, MeSH D008133, MONDO:0002442. Disease mechanism: loss of function. Inheritance: Various modes of inheritance.

Allele frequency attached by ClinVar (database versions not stated): TOPMed 0.00001.

Submissions (4):

Labcorp Genetics (formerly Invitae), Labcorp
Classification: Uncertain significance for Long QT syndrome. Last evaluated: 2024-05-09. Review status: criteria provided, single submitter. Criteria: Invitae Variant Classification Sherloc (09022015). Collection method: clinical testing. Allele origin: germline.
Comment: This sequence change replaces proline, which is neutral and non-polar, with leucine, which is neutral and non-polar, at codon 1101 of the KCNH2 protein (p.Pro1101Leu). This variant is not present in population databases (gnomAD no frequency). This missense change has been observed in individual(s) with clinical features of KCNH2-related conditions (PMID: 20851114). ClinVar contains an entry for this variant (Variation ID: 67487). An algorithm developed to predict the effect of missense changes on protein structure and function (PolyPhen-2) suggests that this variant is likely to be disruptive. In summary, the available evidence is currently insufficient to determine the role of this variant in disease. Therefore, it has been classified as a Variant of Uncertain Significance.

Ambry Genetics
Classification: Uncertain significance for Cardiovascular phenotype. Last evaluated: 2021-11-08. Review status: criteria provided, single submitter. Criteria: Ambry Variant Classification Scheme 2023. Collection method: clinical testing. Allele origin: germline.

Fulgent Genetics
Classification: Uncertain significance for Short QT syndrome type 1; Long QT syndrome 2. Last evaluated: 2021-10-19. Review status: criteria provided, single submitter. Criteria: ACMG Guidelines, 2015. Collection method: clinical testing. Allele origin: unknown.

Cardiovascular Biomedical Research Unit, Royal Brompton & Harefield NHS Foundation Trust
No classification provided. Condition: Familial long QT syndrome. Review status: no classification provided. Collection method: literature only. Allele origin: germline. Not counted in ClinVar's aggregate classification.
Comment: This variant has been reported as associated with Long QT syndrome in the following publications (PMID:20851114). This is a literature report, and does not necessarily reflect the clinical interpretation of the Imperial College / Royal Brompton Cardiovascular Genetics laboratory.

Literature cited by the submitters: PubMed 20851114 (cited by Labcorp Genetics (formerly Invitae), Labcorp and Cardiovascular Biomedical Research Unit, Royal Brompton & Harefield NHS Foundation Trust); PubMed 22581653 (cited by Cardiovascular Biomedical Research Unit, Royal Brompton & Harefield NHS Foundation Trust).